The following is an entry in ClinVar:

NM_058216.3(RAD51C):c.1015T>C (p.Phe339Leu)

Gene: RAD51C (RAD51 paralog C; plus strand). Cytogenetic location: 17q22.
Variant type: single nucleotide variant.
Coding change: c.1015T>C on transcript NM_058216.3 (MANE Select); coding-DNA position 1015, T replaced by C.
Protein change: p.Phe339Leu; replaces phenylalanine 339 with leucine.
Molecular consequence: missense variant. On other transcripts: non-coding transcript variant (1).
Genome position (GRCh38, 1-based): chr17:58,732,533, T>C. VCF-style: chr17-58732533-T-C. GRCh37 (hg19) VCF-style: chr17-56809894-T-C.
Other names: short protein forms F339L.
Identifiers: ClinVar variation 3663176 (VCV003663176.2).

ClinVar aggregate classification (germline): Uncertain significance (1 of 4 stars; one submission).

Conditions:
Fanconi anemia complementation group O. Also called: RAD51C-Related Fanconi Anemia. Identifiers: Orphanet 84, MedGen C3150653, MONDO:0013248, OMIM 613390.

Submission:

Labcorp Genetics (formerly Invitae), Labcorp
Classification: Uncertain significance for Fanconi anemia complementation group O. Last evaluated: 2024-08-21. Review status: criteria provided, single submitter. Criteria: Invitae Variant Classification Sherloc (09022015). Collection method: clinical testing. Allele origin: germline.
Comment: This sequence change replaces phenylalanine, which is neutral and non-polar, with leucine, which is neutral and non-polar, at codon 339 of the RAD51C protein (p.Phe339Leu). This variant is not present in population databases (gnomAD no frequency). This variant has not been reported in the literature in individuals affected with RAD51C-related conditions. Invitae Evidence Modeling of protein sequence and biophysical properties (such as structural, functional, and spatial information, amino acid conservation, physicochemical variation, residue mobility, and thermodynamic stability) indicates that this missense variant is not expected to disrupt RAD51C protein function with a negative predictive value of 80%. In summary, the available evidence is currently insufficient to determine the role of this variant in disease. Therefore, it has been classified as a Variant of Uncertain Significance.